The following is an entry in ClinVar:

ClinVar aggregate classification (germline): Uncertain significance (1 of 4 stars; one submission).

Conditions:
Cystic fibrosis (CF). Also called: MUCOVISCIDOSIS. Identifiers: Orphanet 586, MedGen C0010674, MONDO:0009061, OMIM 219700. Disease mechanism: loss of function.

Submission:

3billion
Classification: Uncertain significance for Cystic fibrosis. Last evaluated: 2024-07-08. Review status: criteria provided, single submitter. Criteria: ACMG Guidelines, 2015. Collection method: clinical testing. Allele origin: germline. Affected: yes.
Comment: The variant is not observed in the gnomAD v4.0.0 dataset. Predicted Consequence/Location: The majority of the known disease-causing variants of this gene are variants expected to result in premature termination of the protein. In silico tool predictions suggest damaging effect of the variant on gene or gene product [3Cnet: 0.81 (>=0.6, sensitivity 0.72 and precision 0.9)]. Therefore, this variant is classified as VUS according to the recommendation of ACMG/AMP guideline.

NM_000492.4(CFTR):c.1832A>G (p.Lys611Arg)

Gene: CFTR (CF transmembrane conductance regulator; plus strand). Cytogenetic location: 7q31.2.
Variant type: single nucleotide variant.
Coding change: c.1832A>G on transcript NM_000492.4 (MANE Select); coding-DNA position 1832, A replaced by G.
Protein change: p.Lys611Arg; replaces lysine 611 with arginine.
Molecular consequence: missense variant.
Genome position (GRCh38, 1-based): chr7:117,591,999, A>G. VCF-style: chr7-117591999-A-G. GRCh37 (hg19) VCF-style: chr7-117232053-A-G.
Other names: short protein forms K611R.
Identifiers: ClinVar variation 4293703 (VCV004293703.1).